The following is an entry in ClinVar:

NM_001376.5(DYNC1H1):c.13372+8_13372+9delinsGA

Gene: DYNC1H1 (dynein cytoplasmic 1 heavy chain 1; plus strand). Cytogenetic location: 14q32.31.
Variant type: Indel.
Coding change: c.13372+8_13372+9delinsGA on transcript NM_001376.5 (MANE Select); bases 8 to 9 of the intron after coding-DNA position 13372, AG replaced by GA.
Molecular consequence: intron variant.
Genome position (GRCh38, 1-based): chr14:102,048,677-102,048,678, AG replaced by GA. VCF-style: chr14-102048677-AG-GA. GRCh37 (hg19) VCF-style: chr14-102515014-AG-GA.
Identifiers: ClinVar variation 3679326 (VCV003679326.2).

ClinVar aggregate classification (germline): Uncertain significance (1 of 4 stars; one submission).

Conditions:
Charcot-Marie-Tooth disease axonal type 2O. Also called: CHARCOT-MARIE-TOOTH NEUROPATHY, AXONAL, TYPE 2O; CHARCOT-MARIE-TOOTH DISEASE, AXONAL, AUTOSOMAL DOMINANT, TYPE 2O; Charcot-Marie-Tooth Neuropathy Type 2O; Charcot-Marie-Tooth disease, axonal, type 20. Identifiers: Orphanet 284232, MedGen C3280220, MONDO:0013644, OMIM 614228.

Submission:

Labcorp Genetics (formerly Invitae), Labcorp
Classification: Uncertain significance for Charcot-Marie-Tooth disease axonal type 2O. Last evaluated: 2024-04-24. Review status: criteria provided, single submitter. Criteria: Invitae Variant Classification Sherloc (09022015). Collection method: clinical testing. Allele origin: germline.
Comment: This sequence change falls in intron 74 of the DYNC1H1 gene. It does not directly change the encoded amino acid sequence of the DYNC1H1 protein. Information on the frequency of this variant in the gnomAD database is not available, as this variant may be reported differently in the database. This variant has not been reported in the literature in individuals affected with DYNC1H1-related conditions. Experimental studies and prediction algorithms are not available or were not evaluated, and the effect of this variant on mRNA splicing is currently unknown. In summary, the available evidence is currently insufficient to determine the role of this variant in disease. Therefore, it has been classified as a Variant of Uncertain Significance.